The following is an entry in ClinVar:

ClinVar aggregate classification (germline): Uncertain significance (1 of 4 stars; one submission).

gnomAD v4.1: 131 of 1,613,658 alleles (0.0081%); highest among the groups gnomAD compares: Middle Eastern, 0.049%; no homozygotes.

Submission:

CeGaT Center for Human Genetics Tuebingen
Classification: Uncertain significance. Last evaluated: 2024-12-01. Review status: criteria provided, single submitter. Criteria: CeGaT Center For Human Genetics Tuebingen Variant Classification Criteria Version 2. Collection method: clinical testing. Allele origin: germline. Affected: yes. Observed: 1 variant allele.
Comment: TEX15: PM2, PM3:Supporting, BP4

NM_001350162.2(TEX15):c.3071A>G (p.His1024Arg)

Gene: TEX15 (testis expressed 15, meiosis and synapsis associated; minus strand). Cytogenetic location: 8p12.
Variant type: single nucleotide variant.
Coding change: c.3071A>G on transcript NM_001350162.2 (MANE Select); coding-DNA position 3071, A replaced by G.
Protein change: p.His1024Arg; replaces histidine 1024 with arginine.
Molecular consequence: missense variant.
Genome position (GRCh38, 1-based): chr8:30,847,096, T>C on the plus strand (A>G on the coding strand, the complement: TEX15 is on the minus strand). VCF-style: chr8-30847096-T-C. GRCh37 (hg19) VCF-style: chr8-30704612-T-C.
Other names: short protein forms H1024R.
Identifiers: ClinVar variation 3771266 (VCV003771266.13).